The following is an entry in ClinVar:

NM_014264.5(PLK4):c.950C>T (p.Pro317Leu)

Gene: PLK4 (polo like kinase 4; plus strand). Cytogenetic location: 4q28.1.
Variant type: single nucleotide variant.
Coding change: c.950C>T on transcript NM_014264.5 (MANE Select); coding-DNA position 950, C replaced by T.
Protein change: p.Pro317Leu; replaces proline 317 with leucine.
Molecular consequence: missense variant.
Genome position (GRCh38, 1-based): chr4:127,886,320, C>T. VCF-style: chr4-127886320-C-T. GRCh37 (hg19) VCF-style: chr4-128807475-C-T.
Other names: c.854C>T, p.Pro285Leu (NM_001190799.2); c.827C>T, p.Pro276Leu (NM_001190801.2); short protein forms P285L, P276L, P317L.
Identifiers: ClinVar variation 721149 (VCV000721149.35), dbSNP rs35049837, ClinGen allele CA3076657.

ClinVar aggregate classification (germline): Likely benign. Review status: criteria provided, multiple submitters, no conflicts (2 of 4 stars). 4 submissions from 4 submitters: Likely benign (3). 1 of the submissions does not count toward it. Last evaluated 2026-08-01.

Conditions:
PLK4-related disorder. Also called: PLK4-related condition.

Allele frequency attached by ClinVar (database versions not stated): 1000 Genomes Project 30x 0.00062; 1000 Genomes Project 0.00080; ExAC 0.00197; gnomAD exomes 0.00208; TOPMed 0.00215; gnomAD 0.00223 and 0.00228; ESP Exome Variant Server 0.00323.
gnomAD v4.1: 5,312 of 1,613,798 alleles (0.33%); highest among the groups gnomAD compares: Non-Finnish European, 0.41%; 15 homozygotes.

Submissions (4):

CeGaT Center for Human Genetics Tuebingen
Classification: Likely benign. Last evaluated: 2026-08-01. Review status: criteria provided, single submitter. Criteria: CeGaT Center For Human Genetics Tuebingen Variant Classification Criteria Version 2. Collection method: clinical testing. Allele origin: germline. Affected: yes. Observed: 6 variant alleles.
Comment: PLK4: BP4, BS2

Labcorp Genetics (formerly Invitae), Labcorp
Classification: Likely benign. Last evaluated: 2026-01-22. Review status: criteria provided, single submitter. Criteria: Invitae Variant Classification Sherloc (09022015). Collection method: clinical testing. Allele origin: germline.

Blueprint Genetics
Classification: Likely benign. Last evaluated: 2024-11-11. Review status: criteria provided, single submitter. Criteria: ACMG Guidelines, 2015. Collection method: clinical testing. Allele origin: germline.

PreventionGenetics, part of Exact Sciences
Classification: Likely benign for PLK4-related condition. Last evaluated: 2022-04-06. Review status: no assertion criteria provided. Collection method: clinical testing. Allele origin: germline. Not counted in ClinVar's aggregate classification.
Comment: This variant is classified as likely benign based on ACMG/AMP sequence variant interpretation guidelines (Richards et al. 2015 PMID: 25741868, with internal and published modifications).